The following is an entry in ClinVar:

NC_000002.11:g.(?_128396836)_(128432618_?)dup

Genes: GPR17 (G protein-coupled receptor 17; plus strand), LIMS2 (LIM zinc finger domain containing 2; minus strand). Cytogenetic location: 2q14.3.
Variant type: Duplication.
Identifiers: ClinVar variation 475542 (VCV000475542.4).

ClinVar aggregate classification (germline): Uncertain significance (1 of 4 stars; one submission).

Conditions:
Autosomal recessive limb-girdle muscular dystrophy type 2W (MDRCMTT). Also called: Muscular dystrophy, autosomal recessive, with cardiomyopathy and triangular tongue; Muscular dystrophy, limb-girdle, type 2W. Identifiers: MedGen C4225192, MONDO:0014788, OMIM 616827.

Submission:

Labcorp Genetics (formerly Invitae), Labcorp
Classification: Uncertain significance for Autosomal recessive limb-girdle muscular dystrophy type 2W. Last evaluated: 2017-04-22. Review status: criteria provided, single submitter. Criteria: Invitae Variant Classification Sherloc (09022015). Collection method: clinical testing. Allele origin: germline.
Comment: In summary, the exact genomic location of this variant is unknown and the impact of this duplication on LIMS2 protein function has not been established. Therefore, it has been classified as a Variant of Uncertain Significance. This duplication has not been reported in the literature in individuals with a LIMS2-related disease. A gross duplication of the genomic region encompassing the full coding sequence of the LIMS2 gene has been identified. The boundaries of this event are unknown as the duplication extends beyond the assayed region for this gene and therefore may encompass additional genes. As the precise location of this duplication is unknown, it may be in tandem or it may be located elsewhere in the genome.